The following is an entry in ClinVar:

NM_199355.4(ADAMTS18):c.2323C>T (p.Arg775Ter)

Gene: ADAMTS18 (ADAM metallopeptidase with thrombospondin type 1 motif 18; minus strand). Cytogenetic location: 16q23.1.
Variant type: single nucleotide variant.
Coding change: c.2323C>T on transcript NM_199355.4 (MANE Select); coding-DNA position 2323, C replaced by T.
Protein change: p.Arg775Ter; replaces arginine 775 with a stop codon.
Molecular consequence: nonsense.
Genome position (GRCh38, 1-based): chr16:77,320,058, G>A on the plus strand (C>T on the coding strand, the complement: ADAMTS18 is on the minus strand). VCF-style: chr16-77320058-G-A. GRCh37 (hg19) VCF-style: chr16-77353955-G-A.
Other names: c.1807C>T, p.Arg603Ter (NM_001326358.2); short protein forms R603*, R775*.
Identifiers: ClinVar variation 4737276 (VCV004737276.1).

ClinVar aggregate classification (germline): Pathogenic (1 of 4 stars; one submission).

gnomAD v4.1: 7 of 1,613,916 alleles (0.00043%); highest among the groups gnomAD compares: African/African-American, 0.0027%; no homozygotes.

Submission:

Labcorp Genetics (formerly Invitae), Labcorp
Classification: Pathogenic. Last evaluated: 2025-04-24. Review status: criteria provided, single submitter. Criteria: Invitae Variant Classification Sherloc (09022015). Collection method: clinical testing. Allele origin: germline.
Comment: This sequence change creates a premature translational stop signal (p.Arg775*) in the ADAMTS18 gene. It is expected to result in an absent or disrupted protein product. Loss-of-function variants in ADAMTS18 are known to be pathogenic (PMID: 23818446, 24874986). This variant is present in population databases (rs369059253, gnomAD 0.01%). This variant has not been reported in the literature in individuals affected with ADAMTS18-related conditions. For these reasons, this variant has been classified as Pathogenic.

Literature cited by the submitters: PubMed 23818446; PubMed 24874986.